The following is an entry in ClinVar:

NM_024408.4(NOTCH2):c.6480del (p.Thr2159_Tyr2160insTer)

Gene: NOTCH2 (notch receptor 2; minus strand). Cytogenetic location: 1p12.
Variant type: Deletion.
Coding change: c.6480del on transcript NM_024408.4 (MANE Select); coding-DNA position 6480, one base deleted (T; older notation c.6480delT).
Protein change: p.Thr2159_Tyr2160insTer.
Molecular consequence: nonsense.
Genome position (GRCh38, 1-based): chr1:119,916,242, A deleted on the plus strand (T on the coding strand, the reverse complement: NOTCH2 is on the minus strand). VCF-style (leftmost placement, unchanged base first): chr1-119916241-CA-C. GRCh37 (hg19) VCF-style: chr1-120458864-CA-C.
Identifiers: ClinVar variation 5007171 (VCV005007171.2).

ClinVar aggregate classification (germline): Uncertain significance (1 of 4 stars; one submission).

Conditions:
Alagille syndrome due to a NOTCH2 point mutation. Also called: Alagille syndrome 2. Identifiers: Orphanet 261629, Orphanet 52, MedGen C1857761, MONDO:0012439, OMIM 610205.
Hajdu-Cheney syndrome (HJCYS). Also called: SERPENTINE FIBULA-POLYCYSTIC KIDNEY SYNDROME; ACROOSTEOLYSIS WITH OSTEOPOROSIS AND CHANGES IN SKULL AND MANDIBLE; Acroosteolysis dominant type. Identifiers: Orphanet 955, MedGen C0917715, MONDO:0007057, OMIM 102500.

Submission:

Juno Genomics, Hangzhou Juno Genomics, Inc
Classification: Uncertain significance for Alagille syndrome due to a NOTCH2 point mutation; Hajdu-Cheney syndrome. Review status: criteria provided, single submitter. Criteria: ACMG Guidelines, 2015. Collection method: clinical testing. Allele origin: germline.
Comment: Absent from controls (or at extremely low frequency if recessive) in Genome Aggregation Database.